The following is an entry in ClinVar:

NM_001378120.1(MBD5):c.1163A>G (p.Gln388Arg)

Gene: MBD5 (methyl-CpG binding domain protein 5; plus strand). Cytogenetic location: 2q23.1.
Variant type: single nucleotide variant.
Coding change: c.1163A>G on transcript NM_001378120.1 (MANE Select); coding-DNA position 1163, A replaced by G.
Protein change: p.Gln388Arg; replaces glutamine 388 with arginine.
Molecular consequence: missense variant.
Genome position (GRCh38, 1-based): chr2:148,469,106, A>G. VCF-style: chr2-148469106-A-G. GRCh37 (hg19) VCF-style: chr2-149226675-A-G.
Other names: c.1163A>G, p.Gln388Arg (NM_018328.5); short protein forms Q388R.
Identifiers: ClinVar variation 2812832 (VCV002812832.3), dbSNP rs2469861985, ClinGen allele CA348718524.

ClinVar aggregate classification (germline): Uncertain significance (1 of 4 stars; one submission).

Conditions:
Intellectual developmental disorder, autosomal dominant 1. Also called: MBD5 Haploinsufficiency; Intellectual disability, autosomal dominant 1. Identifiers: Orphanet 228402, MedGen C1969562, MONDO:0007974, OMIM 156200.

Submission:

Labcorp Genetics (formerly Invitae), Labcorp
Classification: Uncertain significance for Intellectual developmental disorder, autosomal dominant 1. Last evaluated: 2024-10-22. Review status: criteria provided, single submitter. Criteria: Invitae Variant Classification Sherloc (09022015). Collection method: clinical testing. Allele origin: germline.
Comment: This sequence change replaces glutamine, which is neutral and polar, with arginine, which is basic and polar, at codon 388 of the MBD5 protein (p.Gln388Arg). This variant is not present in population databases (gnomAD no frequency). This variant has not been reported in the literature in individuals affected with MBD5-related conditions. Invitae Evidence Modeling of protein sequence and biophysical properties (such as structural, functional, and spatial information, amino acid conservation, physicochemical variation, residue mobility, and thermodynamic stability) indicates that this missense variant is expected to disrupt MBD5 protein function with a positive predictive value of 80%. In summary, the available evidence is currently insufficient to determine the role of this variant in disease. Therefore, it has been classified as a Variant of Uncertain Significance.